The following is an entry in ClinVar:

NM_001048174.2(MUTYH):c.1225C>G (p.Arg409Gly)

Gene: MUTYH (mutY DNA glycosylase; minus strand). Cytogenetic location: 1p34.1.
Variant type: single nucleotide variant.
Coding change: c.1225C>G on transcript NM_001048174.2 (MANE Select); coding-DNA position 1225, C replaced by G.
Protein change: p.Arg409Gly; replaces arginine 409 with glycine.
Molecular consequence: missense variant. On other transcripts: non-coding transcript variant (2).
Genome position (GRCh38, 1-based): chr1:45,331,434, G>C on the plus strand (C>G on the coding strand, the complement: MUTYH is on the minus strand). VCF-style: chr1-45331434-G-C. GRCh37 (hg19) VCF-style: chr1-45797106-G-C.
Other names: c.1225C>G, p.Arg409Gly (NM_001048171.2, NM_001048173.2, NM_001293195.2 and 6 more transcripts); c.1228C>G, p.Arg410Gly (NM_001048172.2, NM_001407071.1, NM_001407086.1 and 1 more transcripts); c.1309C>G, p.Arg437Gly (NM_001128425.2); c.1270C>G, p.Arg424Gly (NM_001293190.2); c.1258C>G, p.Arg420Gly (NM_001293191.2, NM_001407069.1, NM_001407077.1); c.949C>G, p.Arg317Gly (NM_001293192.2, NM_001293196.2, NM_001407091.1); c.880C>G, p.Arg294Gly (NM_001350650.2, NM_001350651.2, NM_001407082.1); c.1267C>G, p.Arg423Gly (NM_001407085.1, NM_001407083.1); and 5 more; short protein forms R294G, R317G, R381G, R395G, R396G, R409G, R410G, R416G.
Identifiers: ClinVar variation 1719785 (VCV001719785.8), dbSNP rs587778540, ClinGen allele CA340132849.

ClinVar aggregate classification (germline): Uncertain significance. Review status: criteria provided, multiple submitters, no conflicts (2 of 4 stars). 2 submissions from 2 submitters: Uncertain significance (2). Last evaluated 2022-09-23.

Conditions:
Familial adenomatous polyposis 2. Also called: MUTYH-associated polyposis; MUTYH-related attenuated familial adenomatous polyposis; FAP type 2; Adenomas, multiple colorectal; MYH-associated polyposis; MUTYH Polyposis. Identifiers: Orphanet 220460, Orphanet 247798, MedGen C3272841, MONDO:0012041, OMIM 608456.
Hereditary cancer-predisposing syndrome. Also called: Hereditary Cancer Syndrome; Hereditary neoplastic syndrome; Neoplastic Syndromes, Hereditary; Tumor predisposition. Identifiers: Orphanet 140162, MedGen C0027672, MeSH D009386, MONDO:0015356.

gnomAD v4.1: 11 of 1,614,248 alleles (0.00068%); highest among the groups gnomAD compares: Non-Finnish European, 0.00093%; no homozygotes.

Submissions (2):

Labcorp Genetics (formerly Invitae), Labcorp
Classification: Uncertain significance for Familial adenomatous polyposis 2. Last evaluated: 2022-09-23. Review status: criteria provided, single submitter. Criteria: Invitae Variant Classification Sherloc (09022015). Collection method: clinical testing. Allele origin: germline.
Comment: In summary, the available evidence is currently insufficient to determine the role of this variant in disease. Therefore, it has been classified as a Variant of Uncertain Significance. Algorithms developed to predict the effect of missense changes on protein structure and function (SIFT, PolyPhen-2, Align-GVGD) all suggest that this variant is likely to be tolerated. This variant has not been reported in the literature in individuals affected with MUTYH-related conditions. This variant is not present in population databases (gnomAD no frequency). This sequence change replaces arginine, which is basic and polar, with glycine, which is neutral and non-polar, at codon 437 of the MUTYH protein (p.Arg437Gly).

Ambry Genetics
Classification: Uncertain significance for Hereditary cancer-predisposing syndrome. Last evaluated: 2020-03-30. Review status: criteria provided, single submitter. Criteria: Ambry Variant Classification Scheme 2023. Collection method: clinical testing. Allele origin: germline.
Comment: The p.R437G variant (also known as c.1309C>G), located in coding exon 13 of the MUTYH gene, results from a C to G substitution at nucleotide position 1309. The arginine at codon 437 is replaced by glycine, an amino acid with dissimilar properties. This amino acid position is poorly conserved in available vertebrate species. In addition, the in silico prediction for this alteration is inconclusive. Since supporting evidence is limited at this time, the clinical significance of this alteration remains unclear.